The following is an entry in ClinVar:

NM_003742.4(ABCB11):c.2191C>T (p.Pro731Ser)

Gene: ABCB11 (ATP binding cassette subfamily B member 11; minus strand). Cytogenetic location: 2q31.1.
Variant type: single nucleotide variant.
Coding change: c.2191C>T on transcript NM_003742.4 (MANE Select); coding-DNA position 2191, C replaced by T.
Protein change: p.Pro731Ser; replaces proline 731 with serine.
Molecular consequence: missense variant.
Genome position (GRCh38, 1-based): chr2:168,958,116, G>A on the plus strand (C>T on the coding strand, the complement: ABCB11 is on the minus strand). VCF-style: chr2-168958116-G-A. GRCh37 (hg19) VCF-style: chr2-169814626-G-A.
Other names: NM_003742.4(ABCB11):c.2191C>T; p.Pro731Ser; c.2191C>T, p.Pro731Ser (LRG_1199t1); short protein forms P731S.
Identifiers: ClinVar variation 595557 (VCV000595557.32), dbSNP rs201240844, ClinGen allele CA1951330.
Genomic context (GRCh38, chr2:168,958,116, plus strand): 5'-CTGGAGCACTGAATTTCAGAATCCTCCTAACTGGGGCAGGTTCAACTTCTTCCTGCACAG[G>A]AATGTCCTTGTCCTTGAGCAGAGAGAGGGTTATATTAATCATCTAAATGTACTCAAGACA-3'
Protein context (NP_003733.2, residues 721-741): YEEDRKDKDI[Pro731Ser]VQEEVEPAPV

ClinVar aggregate classification (germline): Uncertain significance. Review status: criteria provided, multiple submitters, no conflicts (2 of 4 stars). 8 submissions from 8 submitters: Uncertain significance (6). 2 of the submissions do not count toward it. Last evaluated 2026-04-14.

Conditions:
ABCB11-related disorder. Also called: ABCB11-related condition.
Progressive familial intrahepatic cholestasis type 2. Identifiers: Orphanet 79304, MedGen C3489789, MONDO:0011156, OMIM 601847.
Familial intrahepatic cholestasis. Identifiers: Orphanet 284385, MedGen CN296401, MONDO:0017290.
Cholestasis, intrahepatic, of pregnancy, 3. Identifiers: Orphanet 69665, MedGen C3554241, MONDO:0013995, OMIM 614972.

Allele frequency attached by ClinVar (database versions not stated): ESP Exome Variant Server 0.00008; 1000 Genomes Project 30x 0.00016; TOPMed 0.00019; 1000 Genomes Project 0.00020; gnomAD 0.00020 and 0.00021; ExAC 0.00064.
gnomAD v4.1: 504 of 1,610,852 alleles (0.031%); highest among the groups gnomAD compares: Non-Finnish European, 0.034%; no homozygotes.

Submissions (8):

Genomenon, Inc
Classification: Uncertain significance for Familial intrahepatic cholestasis. Last evaluated: 2026-04-14. Review status: criteria provided, single submitter. Criteria: Genomenon Sequence Variant Interpretation Standards - Updated. Collection method: curation. Allele origin: germline. Affected: yes.
Comment: ABCB11 p.Pro731Ser (c.2191C>T) is a missense variant that changes the amino acid at residue 731 from Proline to Serine. This variant has been observed in at least one proband with an ABCB11-related disorder (PMID:23022423). In conclusion, we classify ABCB11 p.Pro731Ser (c.2191C>T) as a variant of uncertain significance.

Broad Center for Mendelian Genomics, Broad Institute of MIT and Harvard
Classification: Uncertain significance for Progressive familial intrahepatic cholestasis type 2. Last evaluated: 2025-01-24. Review status: criteria provided, single submitter. Criteria: ACMG Guidelines, 2015. Collection method: curation. Allele origin: germline. Inheritance: Autosomal recessive inheritance.
Comment: The p.Pro731Ser variant in ABCB11 has not been previously reported in the literature in individuals with BSEP deficiency, but has been identified in 0.08% (52/63926) of European (Finnish) chromosomes by the Genome Aggregation Database (gnomAD; dbSNP rs531704947). Although this variant has been seen in the general population in a heterozygous state, its frequency is not high enough to rule out a pathogenic role. This variant has also been reported in ClinVar (Variation ID: 595557) and has been interpreted as a variant of uncertain significance by multiple submitters. Computational prediction tools and conservation analyses do not provide strong support for or against an impact to the protein. In summary, the clinical significance of the p.Pro731Ser variant is uncertain. ACMG/AMP Criteria applied: N/A (Richards 2015).

Labcorp Genetics (formerly Invitae), Labcorp
Classification: Uncertain significance. Last evaluated: 2024-10-30. Review status: criteria provided, single submitter. Criteria: Invitae Variant Classification Sherloc (09022015). Collection method: clinical testing. Allele origin: germline.
Comment: This sequence change replaces proline, which is neutral and non-polar, with serine, which is neutral and polar, at codon 731 of the ABCB11 protein (p.Pro731Ser). This variant is present in population databases (rs201240844, gnomAD 0.08%), and has an allele count higher than expected for a pathogenic variant. This missense change has been observed in individual(s) with cholestasis of pregnancy (PMID: 23022423). ClinVar contains an entry for this variant (Variation ID: 595557). Invitae Evidence Modeling of protein sequence and biophysical properties (such as structural, functional, and spatial information, amino acid conservation, physicochemical variation, residue mobility, and thermodynamic stability) indicates that this missense variant is not expected to disrupt ABCB11 protein function with a negative predictive value of 95%. In summary, the available evidence is currently insufficient to determine the role of this variant in disease. Therefore, it has been classified as a Variant of Uncertain Significance.

CeGaT Center for Human Genetics Tuebingen
Classification: Uncertain significance. Last evaluated: 2023-12-01. Review status: criteria provided, single submitter. Criteria: CeGaT Center For Human Genetics Tuebingen Variant Classification Criteria Version 2. Collection method: clinical testing. Allele origin: germline. Affected: yes. Observed: 1 variant allele.
Comment: ABCB11: PM2:Supporting, BP4

Women's Health and Genetics/Laboratory Corporation of America, LabCorp
Classification: Uncertain significance. Last evaluated: 2021-10-22. Review status: criteria provided, single submitter. Criteria: LabCorp Variant Classification Summary - May 2015. Collection method: clinical testing. Allele origin: germline.
Comment: Variant summary: ABCB11 c.2191C>T (p.Pro731Ser) results in a non-conservative amino acid change in the encoded protein sequence. Four of five in-silico tools predict a benign effect of the variant on protein function. The variant allele was found at a frequency of 0.00046 in 247478 control chromosomes (gnomAD and publication). This frequency is not significantly higher than expected for a pathogenic variant in ABCB11 causing Familial Intrahepatic Cholestasis (0.00046 vs 0.0022), allowing no conclusion about variant significance. c.2191C>T has been reported in the literature in individuals affected with Familial Intrahepatic Cholestasis (Anzivino_2012, Goldschmidt_2015). These reports do not provide unequivocal conclusions about association of the variant with Familial Intrahepatic Cholestasis. To our knowledge, no experimental evidence demonstrating an impact on protein function has been reported. One clinical ClinVar submitter (evaluation after 2014) cites the variant as uncertain significance. Based on the evidence outlined above, the variant was classified as uncertain significance.

Eurofins Ntd Llc (ga)
Classification: Uncertain significance. Last evaluated: 2017-12-26. Review status: criteria provided, single submitter. Criteria: EGL Classification Definitions 2015. Collection method: clinical testing. Allele origin: germline. Observed: 1 variant allele, 1 heterozygote.

PreventionGenetics, part of Exact Sciences
Classification: Uncertain significance for ABCB11-related condition. Last evaluated: 2024-08-28. Review status: no assertion criteria provided. Collection method: clinical testing. Allele origin: germline. Not counted in ClinVar's aggregate classification.
Comment: The ABCB11 c.2191C>T variant is predicted to result in the amino acid substitution p.Pro731Ser. This variant was identified in a patient with intrahepatic cholestasis of pregnancy (Anzivino et al. 2013. PubMed ID: 23022423). This variant is reported in 0.076% of alleles in individuals of European (Finnish) descent in gnomAD, which may be too common to be a primary cause of disease. At this time, the clinical significance of this variant is uncertain due to the absence of conclusive functional and genetic evidence.

NIHR Bioresource Rare Diseases, University of Cambridge
Classification: Likely pathogenic for Cholestasis, intrahepatic, of pregnancy, 3. Review status: no assertion criteria provided. Collection method: research. Allele origin: unknown. Affected: yes. Observed: 1 variant allele. Not counted in ClinVar's aggregate classification.

Literature cited by the submitters: PubMed 23022423 (cited by 3 submitters); PubMed 27153395 (cited by Women's Health and Genetics/Laboratory Corporation of America, LabCorp); PubMed 26126923 (cited by Women's Health and Genetics/Laboratory Corporation of America, LabCorp); PubMed 32581362 (cited by Women's Health and Genetics/Laboratory Corporation of America, LabCorp and NIHR Bioresource Rare Diseases, University of Cambridge); PubMed 30091450 (cited by Women's Health and Genetics/Laboratory Corporation of America, LabCorp); PubMed 30934130 (cited by Women's Health and Genetics/Laboratory Corporation of America, LabCorp).